The following is an entry in ClinVar:

NM_000455.5(STK11):c.-9G>A

Gene: STK11 (serine/threonine kinase 11; plus strand). Cytogenetic location: 19p13.3.
Variant type: single nucleotide variant.
Coding change: c.-9G>A on transcript NM_000455.5 (MANE Select); 9 bases upstream of the start codon, G replaced by A.
Molecular consequence: 5 prime UTR variant.
Genome position (GRCh38, 1-based): chr19:1,206,905, G>A. VCF-style: chr19-1206905-G-A. GRCh37 (hg19) VCF-style: chr19-1206904-G-A.
Identifiers: ClinVar variation 630396 (VCV000630396.12), dbSNP rs770466669, ClinGen allele CA049895.

ClinVar aggregate classification (germline): Conflicting classifications of pathogenicity. Review status: criteria provided, conflicting classifications (1 of 4 stars). 4 submissions from 4 submitters: Uncertain significance (3); Likely benign (1). Last evaluated 2025-03-04.

Conditions:
Hereditary cancer-predisposing syndrome. Also called: Hereditary Cancer Syndrome; Neoplastic Syndromes, Hereditary; Tumor predisposition; Hereditary neoplastic syndrome. Identifiers: Orphanet 140162, MedGen C0027672, MeSH D009386, MONDO:0015356.
Peutz-Jeghers syndrome (PJS). Also called: Peutz-Jeghers polyposis; Periorificial lentiginosis syndrome; POLYPOSIS, HAMARTOMATOUS INTESTINAL; POLYPS-AND-SPOTS SYNDROME. Identifiers: Orphanet 2869, MedGen C0031269, MeSH D010580, MONDO:0008280, OMIM 175200.

Allele frequency attached by ClinVar (database versions not stated): gnomAD exomes 0.00001 and 0.00002; TOPMed 0.00001; gnomAD 0.00002; ExAC 0.00009.
gnomAD v4.1: 17 of 1,566,062 alleles (0.0011%); highest among the groups gnomAD compares: East Asian, 0.0024%; no homozygotes.

Submissions (4):

Center for Genomic Medicine, Rigshospitalet, Copenhagen University Hospital
Classification: Likely benign. Last evaluated: 2025-03-04. Review status: criteria provided, single submitter. Criteria: ACMG Guidelines, 2015. Collection method: clinical testing. Allele origin: germline.

Color Diagnostics, LLC DBA Color Health
Classification: Uncertain significance for Hereditary cancer-predisposing syndrome. Last evaluated: 2024-07-09. Review status: criteria provided, single submitter. Criteria: ACMG Guidelines, 2015. Collection method: clinical testing. Allele origin: germline.
Comment: This variant changes a single nucleotide in the 5' untranslated region of the STK11 gene. To our knowledge, functional studies have not been performed for this variant. This variant has not been reported in individuals affected with hereditary cancer in the literature. This variant has been identified in 3/177624 chromosomes in the general population by the Genome Aggregation Database (gnomAD). The available evidence is insufficient to determine the role of this variant in disease conclusively. Therefore, this variant is classified as a Variant of Uncertain Significance.

Women's Health and Genetics/Laboratory Corporation of America, LabCorp
Classification: Uncertain significance. Last evaluated: 2023-08-26. Review status: criteria provided, single submitter. Criteria: LabCorp Variant Classification Summary - May 2015. Collection method: clinical testing. Allele origin: germline.

All of Us Research Program, National Institutes of Health
Classification: Uncertain significance for Peutz-Jeghers syndrome. Last evaluated: 2023-08-15. Review status: criteria provided, single submitter. Criteria: ACMG Guidelines, 2015. Collection method: clinical testing. Allele origin: germline. Inheritance: Autosomal dominant inheritance. Observed: 2 variant alleles, 2 heterozygotes.
Comment: This variant changes a single nucleotide in the 5' untranslated region of the STK11 gene. To our knowledge, functional studies have not been performed for this variant. This variant has not been reported in individuals affected with hereditary cancer in the literature. This variant has been identified in 3/177624 chromosomes in the general population by the Genome Aggregation Database (gnomAD). The available evidence is insufficient to determine the role of this variant in disease conclusively. Therefore, this variant is classified as a Variant of Uncertain Significance.

This study involves interpretation of variants in research participants for the purpose of population health screening. Participant phenotype was not available at the time of variant classification. Additional details can be found in publication PMID: 35346344, PMCID: PMC8962531